The following is an entry in ClinVar:

NM_000070.3(CAPN3):c.1743_1744del (p.Glu582fs)

Gene: CAPN3 (calpain 3; plus strand). Cytogenetic location: 15q15.1.
Variant type: Deletion.
Coding change: c.1743_1744del on transcript NM_000070.3 (MANE Select); coding-DNA positions 1743 to 1744, 2 bases deleted (TG; older notation c.1743_1744delTG).
Protein change: p.Glu582fs; shifts the reading frame from glutamic acid 582.
Molecular consequence: frameshift variant.
Genome position (GRCh38, 1-based): chr15:42,403,000-42,403,001, TG deleted. VCF-style (leftmost placement, unchanged base first): chr15-42402999-CTG-C. GRCh37 (hg19) VCF-style: chr15-42695197-CTG-C.
Other names: NM_000070.3(CAPN3):c.1743_1744del; p.Glu582fs; c.1743_1744del, p.Glu582fs (NM_024344.2); c.1599_1600del, p.Glu534fs (NM_173087.2); c.207_208del, p.Glu70fs (NM_173088.2); short protein forms E534fs, E582fs, E70fs.
Identifiers: ClinVar variation 283179 (VCV000283179.13), dbSNP rs886042573, ClinGen allele CA10604416.

ClinVar aggregate classification (germline): Pathogenic. Review status: reviewed by expert panel (3 of 4 stars). 4 submissions from 4 submitters: Pathogenic (1). 3 of the submissions do not count toward it. Last evaluated 2026-02-18.

Conditions:
Autosomal recessive limb-girdle muscular dystrophy. Identifiers: Orphanet 102015, MedGen C2931907, MONDO:0015152.
Autosomal recessive limb-girdle muscular dystrophy type 2A (LGMDR1). Also called: Limb-girdle muscular dystrophy, type 2A; Calpainopathy; LEYDEN-MOEBIUS MUSCULAR DYSTROPHY; MUSCULAR DYSTROPHY, PELVOFEMORAL; Muscular dystrophy, limb-girdle, type 2A, Amish. Identifiers: Orphanet 267, MedGen C1869123, MONDO:0009675, OMIM 253600. Disease mechanism: loss of function.

Submissions (4):

ClinGen Limb Girdle Muscular Dystrophy Variant Curation Expert Panel, ClinGen
Classification: Pathogenic for Autosomal recessive limb-girdle muscular dystrophy. Last evaluated: 2026-02-18. Review status: reviewed by expert panel. Criteria: ClinGen LGMD VCEP ACMG Specifications CAPN3 V2.0.0. Collection method: curation. Allele origin: germline. Inheritance: Autosomal recessive inheritance.
Comment: The NM_000070.3: c.1743_1744del p.(Glu582GlyfsTer3) variant in CAPN3 is a frameshift variant predicted to cause a premature stop codon in biologically relevant exon 13/24, leading to nonsense-mediated decay in a gene in which loss of function is an established disease mechanism (PVS1). This variant has been identified in at least two patients with features consistent with LGMD (PMID: 30564623, 15689361, 10330340), at least one of whom had a second presumed diagnostic CAPN3 variant as well as a clinical suspicion of LGMD (PMID: 15689361, LOVD Individual #00214348; PP4). This variant is absent from gnomAD v4.1.0 (PM2_Supporting). In summary, this variant meets the criteria to be classified as Pathogenic for autosomal recessive limb-girdle muscular dystrophy based on the ACMG/AMP criteria applied, as specified by the ClinGen Limb Girdle Muscular Dystrophy Expert Panel (specifications version 2.0.0; 02/18/2026): PVS1, PM2_Supporting, PP4.

Labcorp Genetics (formerly Invitae), Labcorp
Classification: Pathogenic for Autosomal recessive limb-girdle muscular dystrophy type 2A. Last evaluated: 2021-05-30. Review status: criteria provided, single submitter. Criteria: Invitae Variant Classification Sherloc (09022015). Collection method: clinical testing. Allele origin: germline. Not counted in ClinVar's aggregate classification.
Comment: This sequence change creates a premature translational stop signal (p.Glu582Glyfs*3) in the CAPN3 gene. It is expected to result in an absent or disrupted protein product. Loss-of-function variants in CAPN3 are known to be pathogenic (PMID: 10330340, 15689361). This variant is not present in population databases (ExAC no frequency). This variant has been observed in individual(s) with limb-girdle muscular dystrophy (PMID: 10330340). ClinVar contains an entry for this variant (Variation ID: 283179). For these reasons, this variant has been classified as Pathogenic.

Eurofins Ntd Llc (ga)
Classification: Pathogenic. Last evaluated: 2018-06-29. Review status: criteria provided, single submitter. Criteria: EGL ClinVar v180209 classification definitions. Collection method: clinical testing. Allele origin: germline. Observed: 2 variant alleles, 2 heterozygotes. Not counted in ClinVar's aggregate classification.

Counsyl
Classification: Likely pathogenic for Autosomal recessive limb-girdle muscular dystrophy type 2A. Last evaluated: 2017-06-29. Review status: no assertion criteria provided. Collection method: clinical testing. Allele origin: unknown. Not counted in ClinVar's aggregate classification.

Literature cited by the submitters: PubMed 10330340 (cited by Labcorp Genetics (formerly Invitae), Labcorp and Counsyl); PubMed 15689361 (cited by Labcorp Genetics (formerly Invitae), Labcorp).